The following is an entry in ClinVar:

NM_024422.6(DSC2):c.475-282G>A

Gene: DSC2 (desmocollin 2; minus strand). Cytogenetic location: 18q12.1.
Variant type: single nucleotide variant.
Coding change: c.475-282G>A on transcript NM_024422.6 (MANE Select); 282 bases into the intron before coding-DNA position 475, G replaced by A.
Molecular consequence: intron variant.
Genome position (GRCh38, 1-based): chr18:31,089,876, C>T on the plus strand (G>A on the coding strand, the complement: DSC2 is on the minus strand). VCF-style: chr18-31089876-C-T. GRCh37 (hg19) VCF-style: chr18-28669839-C-T.
Other names: c.475-282G>A (NM_004949.5).
Identifiers: ClinVar variation 683468 (VCV000683468.1), dbSNP rs1612474, ClinGen allele CA14571043.

ClinVar aggregate classification (germline): Benign (1 of 4 stars; one submission).

Allele frequency attached by ClinVar (database versions not stated): 1000 Genomes Project 30x 0.36477; 1000 Genomes Project 0.36941; gnomAD 0.39178 and 0.39420; TOPMed 0.39406.
gnomAD v4.1: 60,034 of 151,982 alleles (40%); highest among the groups gnomAD compares: East Asian, 56%; 13,093 homozygotes.

Submission:

GeneDx
Classification: Benign. Last evaluated: 2018-06-18. Review status: criteria provided, single submitter. Criteria: GeneDx Variant Classification (06012015). Collection method: clinical testing. Allele origin: germline. Affected: yes.
Comment: This variant is considered likely benign or benign based on one or more of the following criteria: it is a conservative change, it occurs at a poorly conserved position in the protein, it is predicted to be benign by multiple in silico algorithms, and/or has population frequency not consistent with disease.